The following is an entry in ClinVar:

NM_001303256.3(MORC2):c.578G>C (p.Gly193Ala)

Gene: MORC2 (MORC family CW-type zinc finger 2; minus strand). Cytogenetic location: 22q12.2.
Variant type: single nucleotide variant.
Coding change: c.578G>C on transcript NM_001303256.3 (MANE Select); coding-DNA position 578, G replaced by C.
Protein change: p.Gly193Ala; replaces glycine 193 with alanine.
Molecular consequence: missense variant.
Genome position (GRCh38, 1-based): chr22:30,942,120, C>G on the plus strand (G>C on the coding strand, the complement: MORC2 is on the minus strand). VCF-style: chr22-30942120-C-G. GRCh37 (hg19) VCF-style: chr22-31338107-C-G.
Other names: c.578G>C, p.Gly193Ala (NM_001303257.2); c.392G>C, p.Gly131Ala (NM_014941.3); short protein forms G131A, G193A.
Identifiers: ClinVar variation 1316795 (VCV001316795.2), dbSNP rs2147266882, ClinGen allele CA411243380.

ClinVar aggregate classification (germline): Uncertain significance (1 of 4 stars; one submission).

Allele frequency attached by ClinVar (database versions not stated): gnomAD exomes below 0.00001.
gnomAD v4.1: 2 of 1,613,780 alleles (0.00012%); highest among the groups gnomAD compares: Non-Finnish European, 0.00017%; no homozygotes.

Submission:

GeneDx
Classification: Uncertain significance. Last evaluated: 2020-05-01. Review status: criteria provided, single submitter. Criteria: GeneDx Variant Classification Process June 2021. Collection method: clinical testing. Allele origin: germline. Affected: yes.
Comment: Not observed in large population cohorts (Lek et al., 2016); In silico analysis supports that this missense variant has a deleterious effect on protein structure/function; Has not been previously published as pathogenic or benign to our knowledge